The following is an entry in ClinVar:

ClinVar aggregate classification (germline): Pathogenic/Likely pathogenic. Review status: criteria provided, multiple submitters, no conflicts (2 of 4 stars). 15 submissions from 14 submitters: Pathogenic (10); Likely pathogenic (2). 3 of the submissions do not count toward it. Last evaluated 2026-08-21.

Conditions:
Primary ciliary dyskinesia 28. Also called: CILIARY DYSKINESIA, PRIMARY, 28, WITH OR WITHOUT SITUS INVERSUS. Identifiers: Orphanet 244, MedGen C3809706, MONDO:0014216, OMIM 615505.
SPAG1-related disorder. Also called: SPAG1-related condition.
Autosomal dominant nocturnal frontal lobe epilepsy 5. Also called: CILIARY DYSKINESIA, PRIMARY, 28, WITHOUT SITUS INVERSUS; CILIARY DYSKINESIA, PRIMARY, 28, WITH SITUS INVERSUS; Epilepsy, nocturnal frontal lobe, 5; KCNT1-Related Epilepsy. Identifiers: Orphanet 98784, MedGen C3554306, MONDO:0014002, OMIM 615005.
Primary ciliary dyskinesia. Also called: Ciliary dyskinesia. Identifiers: Orphanet 244, MedGen C0008780, MONDO:0016575, HP:0012265.
Kartagener syndrome (CILD1). Also called: SIEWERT SYNDROME; POLYNESIAN BRONCHIECTASIS; IMMOTILE CILIA SYNDROME; Dextrocardia bronchiectasis and sinusitis; CILIARY DYSKINESIA, PRIMARY, 1; CILIARY DYSKINESIA, PRIMARY, 1, WITH OR WITHOUT SITUS INVERSUS. Identifiers: Orphanet 244, MedGen C4551906, MONDO:0009484, OMIM 244400.

Allele frequency attached by ClinVar (database versions not stated): gnomAD 0.00009 and 0.00010; ESP Exome Variant Server 0.00015; TOPMed 0.00008; gnomAD exomes 0.00009 and 0.00007; ExAC 0.00008.
gnomAD v4.1: 123 of 1,613,940 alleles (0.0076%); highest among the groups gnomAD compares: Non-Finnish European, 0.0098%; no homozygotes.

Submissions (15):

GeneDx
Classification: Pathogenic. Last evaluated: 2026-08-21. Review status: criteria provided, single submitter. Criteria: GeneDx Variant Classification Process June 2021. Collection method: clinical testing. Allele origin: germline.
Comment: Nonsense variant predicted to result in protein truncation or nonsense mediated decay in a gene for which loss of function is a known mechanism of disease; This variant is associated with the following publications: (PMID: 39695933, 24055112, 27637300, 26228299, 34426522, 34066907, 35178554, 35877578, 31345219)

Department of Human Genetics, Hannover Medical School
Classification: Likely pathogenic for Primary Ciliary Dyskinesia. Last evaluated: 2026-04-01. Review status: criteria provided, single submitter. Criteria: ACMG Guidelines, 2015. Collection method: research. Allele origin: germline. Affected: no.
Comment: Classification performed by HerediClassify using the following criteria:['PM2_supporting: Variant occures does not occur as homozygous in gnomAD.', 'PP3_splicing_supporting: Variant is predicted to have a splice effect by SpliceAI with evidence strength supporting meeting a threshold of 0.2 (value: 0.32).', 'BS1_strong: Variant occures with 0.00021 in gnomAD subpopulation NON.', 'PVS1_protein_very_strong: Transcript ENST00000388798 is predicted to undergo NMD.', "PP4_moderate: The modified PICADAR socre of 8.0 exceeds threshold of 5 achieving 'strong' evidence strength."]

Labcorp Genetics (formerly Invitae), Labcorp
Classification: Pathogenic for Primary ciliary dyskinesia 28. Last evaluated: 2025-12-29. Review status: criteria provided, single submitter. Criteria: Invitae Variant Classification Sherloc (09022015). Collection method: clinical testing. Allele origin: germline.
Comment: This sequence change creates a premature translational stop signal (p.Gln672*) in the SPAG1 gene. It is expected to result in an absent or disrupted protein product. Loss-of-function variants in SPAG1 are known to be pathogenic (PMID: 24055112). This variant is present in population databases (rs201740530, gnomAD 0.02%). This premature translational stop signal has been observed in individual(s) with primary ciliary dyskinesia (PMID: 24055112, 26228299, 27637300). ClinVar contains an entry for this variant (Variation ID: 88683). Algorithms developed to predict the effect of sequence changes on RNA splicing suggest that this variant may disrupt the consensus splice site. For these reasons, this variant has been classified as Pathogenic.

3billion
Classification: Pathogenic for Primary ciliary dyskinesia 28. Last evaluated: 2025-09-15. Review status: criteria provided, single submitter. Criteria: ACMG Guidelines, 2015. Collection method: clinical testing. Allele origin: germline. Affected: yes.
Comment: The variant is observed at an extremely low frequency in the gnomAD v4.1.0 dataset (total allele frequency: 0.008%). Predicted Consequence/Location: Stop-gained (nonsense): predicted to result in a loss or disruption of normal protein function through nonsense-mediated decay (NMD) or protein truncation. Multiple pathogenic variants are reported downstream of the variant. The variant has been reported at least twice as pathogenic with clinical assertions and evidence for the classification (ClinVar ID: VCV000088683 /PMID: 24055112). Therefore, this variant is classified as Pathogenic according to the recommendation of ACMG/AMP guideline.

Mayo Clinic Laboratories, Mayo Clinic
Classification: Pathogenic. Last evaluated: 2025-01-22. Review status: criteria provided, single submitter. Criteria: ACMG Guidelines, 2015. Collection method: clinical testing. Allele origin: germline. Observed: 1 variant allele.
Comment: PP1_strong, PM3_very_strong, PS3, PS4_moderate, PVS1

Victorian Clinical Genetics Services, Murdoch Childrens Research Institute
Classification: Pathogenic for Primary ciliary dyskinesia 28. Last evaluated: 2024-11-13. Review status: criteria provided, single submitter. Criteria: ACMG Guidelines, 2015. Collection method: clinical testing. Allele origin: germline. Affected: yes.
Comment: This variant is classified as Pathogenic. Evidence in support of pathogenic classification: Variant is predicted to cause nonsense-mediated decay (NMD) and loss of protein (premature termination codon is located at least 54 nucleotides upstream of the final exon-exon junction); Variant is present in gnomAD <0.01 for a recessive condition (v4: 123 heterozygote(s), 0 homozygote(s)); This variant has strong previous evidence of pathogenicity in unrelated individuals. It has been reported as likely pathogenic and pathogenic by clinical laboratories in ClinVar; Other NMD-predicted variant(s) comparable to the one identified in this case have very strong previous evidence for pathogenicity (DECIPHER). Additional information: This variant is heterozygous; This gene is associated with autosomal recessive disease; Loss of function is a known mechanism of disease in this gene and is associated with primary ciliary dyskinesia 28 (MIM#615505); Inheritance information for this variant is not currently available in this individual.

Blueprint Genetics
Classification: Pathogenic for SPAG1-related disorders. Last evaluated: 2024-11-11. Review status: criteria provided, single submitter. Criteria: ACMG Guidelines, 2015. Collection method: clinical testing. Allele origin: germline. Affected: yes. Observed: 5 variant alleles.

Department of Human Genetics, Hannover Medical School
Classification: Pathogenic for Primary ciliary dyskinesia 28. Last evaluated: 2024-08-30. Review status: criteria provided, single submitter. Criteria: ACMG Guidelines, 2015. Collection method: clinical testing. Allele origin: germline. Inheritance: Autosomal recessive inheritance. Affected: yes.

Revvity Omics, Revvity
Classification: Pathogenic for Primary ciliary dyskinesia 28. Last evaluated: 2019-09-28. Review status: criteria provided, single submitter. Criteria: ACMG Guidelines, 2015. Collection method: clinical testing. Allele origin: germline.

Fulgent Genetics
Classification: Pathogenic for Primary ciliary dyskinesia 28. Last evaluated: 2018-10-31. Review status: criteria provided, single submitter. Criteria: ACMG Guidelines, 2015. Collection method: clinical testing. Allele origin: unknown.

UNC Molecular Genetics  Laboratory, University of North Carolina at Chapel Hill
Classification: Likely pathogenic for Primary ciliary dyskinesia. Last evaluated: 2018-10-12. Review status: criteria provided, single submitter. Criteria: ACMG Guidelines, 2015. Collection method: clinical testing. Allele origin: germline. Observed: 1 homozygote.

Institute for Medical Genetics and Human Genetics, Charité - Universitätsmedizin Berlin
Classification: Pathogenic. Review status: criteria provided, single submitter. Criteria: ACMG Guidelines, 2015. Collection method: not provided. Allele origin: germline. Affected: yes.

Yale Center for Mendelian Genomics, Yale University
Classification: Likely pathogenic for Primary ciliary dyskinesia. Last evaluated: 2018-08-01. Review status: no assertion criteria provided. Collection method: literature only. Allele origin: germline. Affected: yes. Observed: 1 compound heterozygote. Study: Yale Center for Mendelian Genomics. Not counted in ClinVar's aggregate classification.

OMIM
Classification: Pathogenic for CILIARY DYSKINESIA, PRIMARY, 28, WITH SITUS INVERSUS. Last evaluated: 2013-10-03. Review status: no assertion criteria provided. Collection method: literature only. Allele origin: germline. Not counted in ClinVar's aggregate classification.

GeneReviews
No classification provided. Condition: Kartagener syndrome. Review status: no classification provided. Collection method: literature only. Allele origin: germline. Affected: yes. Not counted in ClinVar's aggregate classification.

Literature cited by the submitters: PubMed 24055112 (cited by 6 submitters); PubMed 26228299 (cited by Labcorp Genetics (formerly Invitae), Labcorp and Mayo Clinic Laboratories, Mayo Clinic); PubMed 27637300 (cited by Labcorp Genetics (formerly Invitae), Labcorp and Mayo Clinic Laboratories, Mayo Clinic); PubMed 30067075 (cited by Mayo Clinic Laboratories, Mayo Clinic and Yale Center for Mendelian Genomics, Yale University); PubMed 31345219 (cited by Mayo Clinic Laboratories, Mayo Clinic); PubMed 34066907 (cited by Mayo Clinic Laboratories, Mayo Clinic); PubMed 34426522 (cited by Mayo Clinic Laboratories, Mayo Clinic); PubMed 35178554 (cited by Mayo Clinic Laboratories, Mayo Clinic); PubMed 35877578 (cited by Mayo Clinic Laboratories, Mayo Clinic); PubMed 39695933 (cited by Mayo Clinic Laboratories, Mayo Clinic); NCBI Bookshelf NBK1122 (cited by GeneReviews).

NM_003114.5(SPAG1):c.2014C>T (p.Gln672Ter)

Gene: SPAG1 (sperm associated antigen 1; plus strand). Cytogenetic location: 8q22.2.
Variant type: single nucleotide variant.
Coding change: c.2014C>T on transcript NM_003114.5 (MANE Select); coding-DNA position 2014, C replaced by T.
Protein change: p.Gln672Ter; replaces glutamine 672 with a stop codon.
Molecular consequence: nonsense.
Genome position (GRCh38, 1-based): chr8:100,233,436, C>T. VCF-style: chr8-100233436-C-T. GRCh37 (hg19) VCF-style: chr8-101245664-C-T.
Other names: p.Gln672*; c.2014C>T, p.Gln672Ter (NM_001374321.1, NM_172218.3); short protein forms Q672*.
Identifiers: ClinVar variation 88683 (VCV000088683.31), dbSNP rs201740530, ClinGen allele CA145294.